The following is an entry in ClinVar:

ClinVar aggregate classification (germline): Conflicting classifications of pathogenicity. Review status: criteria provided, conflicting classifications (1 of 4 stars). 3 submissions from 3 submitters: Uncertain significance (2); Benign (1). Last evaluated 2025-06-04.

Conditions:
Inborn genetic diseases. Identifiers: MedGen C0950123, MeSH D030342.
Mosaic variegated aneuploidy syndrome 1 (MVA1). Also called: Warburton-Anyane-Yeboa syndrome. Identifiers: Orphanet 1052, MedGen C1850343, MONDO:0009759, OMIM 257300.
Ovarian cancer. Also called: OVARIAN CANCER, SOMATIC. Identifiers: Orphanet 213500, MedGen C1140680, MONDO:0008170, OMIM 167000.

Allele frequency attached by ClinVar (database versions not stated): gnomAD exomes 0.00001 and 0.00003; ExAC 0.00003; TOPMed 0.00003; gnomAD 0.00004 and 0.00006; 1000 Genomes Project 30x 0.00016; 1000 Genomes Project 0.00020.
gnomAD v4.1: 29 of 1,613,654 alleles (0.0018%); highest among the groups gnomAD compares: South Asian, 0.011%; no homozygotes.

Submissions (3):

Labcorp Genetics (formerly Invitae), Labcorp
Classification: Uncertain significance for Mosaic variegated aneuploidy syndrome 1. Last evaluated: 2025-06-04. Review status: criteria provided, single submitter. Criteria: Invitae Variant Classification Sherloc (09022015). Collection method: clinical testing. Allele origin: germline.
Comment: This sequence change replaces arginine, which is basic and polar, with histidine, which is basic and polar, at codon 677 of the BUB1B protein (p.Arg677His). This variant is present in population databases (rs557521971, gnomAD 0.01%). This variant has not been reported in the literature in individuals affected with BUB1B-related conditions. ClinVar contains an entry for this variant (Variation ID: 582609). An algorithm developed to predict the effect of missense changes on protein structure and function outputs the following: PolyPhen-2: "Benign". The histidine amino acid residue is found in multiple mammalian species, which suggests that this missense change does not adversely affect protein function. In summary, the available evidence is currently insufficient to determine the role of this variant in disease. Therefore, it has been classified as a Variant of Uncertain Significance.

Ambry Genetics
Classification: Uncertain significance for Inborn genetic diseases. Last evaluated: 2025-05-19. Review status: criteria provided, single submitter. Criteria: Ambry Variant Classification Scheme 2023. Collection method: clinical testing. Allele origin: germline.

Laboratory of Molecular Epidemiology of Birth Defects, West China Second University Hospital, Sichuan University
Classification: Benign for Ovarian cancer. Last evaluated: 2022-01-01. Review status: criteria provided, single submitter. Criteria: ACMG Guidelines, 2015. Collection method: clinical testing. Allele origin: germline. Affected: yes.

NM_001211.6(BUB1B):c.2030G>A (p.Arg677His)

Gene: BUB1B (BUB1 mitotic checkpoint serine/threonine kinase B; plus strand). Cytogenetic location: 15q15.1.
Variant type: single nucleotide variant.
Coding change: c.2030G>A on transcript NM_001211.6 (MANE Select); coding-DNA position 2030, G replaced by A.
Protein change: p.Arg677His; replaces arginine 677 with histidine.
Molecular consequence: missense variant.
Genome position (GRCh38, 1-based): chr15:40,208,657, G>A. VCF-style: chr15-40208657-G-A. GRCh37 (hg19) VCF-style: chr15-40500858-G-A.
Other names: short protein forms R677H.
Identifiers: ClinVar variation 582609 (VCV000582609.11), dbSNP rs557521971, ClinGen allele CA7475940.